The following is an entry in ClinVar:

NM_004531.5(MOCS2):c.377+5G>C

Gene: MOCS2 (molybdenum cofactor synthesis 2; minus strand). Cytogenetic location: 5q11.2.
Variant type: single nucleotide variant.
Coding change: c.377+5G>C on transcript NM_004531.5 (MANE Select); 5 bases into the intron after coding-DNA position 377, G replaced by C.
Molecular consequence: intron variant.
Genome position (GRCh38, 1-based): chr5:53,101,354, C>G on the plus strand (G>C on the coding strand, the complement: MOCS2 is on the minus strand). VCF-style: chr5-53101354-C-G. GRCh37 (hg19) VCF-style: chr5-52397184-C-G.
Other names: c.*297+5G>C (NM_176806.4).
Identifiers: ClinVar variation 2088611 (VCV002088611.4), dbSNP rs1320544589, ClinGen allele CA559321337.
Genomic context (GRCh38, chr5:53,101,354, plus strand): 5'-TCAGAGTTAGTACAAAGATGGAAAACAATTACACTTAACTTTTAGAGTGATAAAGGAAAT[C>G]ATACCCAAGTCTATGGAACACTGCTATGTGTTTGACTGGCCATTTCTGCCTAATGTCACT-3'

ClinVar aggregate classification (germline): Uncertain significance (1 of 4 stars; one submission).

Allele frequency attached by ClinVar (database versions not stated): gnomAD exomes below 0.00001.
gnomAD v4.1: 2 of 1,613,578 alleles (0.00012%); highest among the groups gnomAD compares: African/African-American, 0.0027%; no homozygotes.

Submission:

Labcorp Genetics (formerly Invitae), Labcorp
Classification: Uncertain significance. Last evaluated: 2022-01-21. Review status: criteria provided, single submitter. Criteria: Invitae Variant Classification Sherloc (09022015). Collection method: clinical testing. Allele origin: germline.
Comment: In summary, the available evidence is currently insufficient to determine the role of this variant in disease. Therefore, it has been classified as a Variant of Uncertain Significance. Variants that disrupt the consensus splice site are a relatively common cause of aberrant splicing (PMID: 17576681, 9536098). Algorithms developed to predict the effect of sequence changes on RNA splicing suggest that this variant may disrupt the consensus splice site. This variant has not been reported in the literature in individuals affected with MOCS2B-related conditions. This variant is present in population databases (no rsID available, gnomAD 0.007%). This sequence change falls in intron 5 of the MOCS2B gene. It does not directly change the encoded amino acid sequence of the MOCS2B protein. It affects a nucleotide within the consensus splice site.

Literature cited by the submitters: PubMed 17576681; PubMed 9536098.